The following is an entry in ClinVar:

NM_001042492.3(NF1):c.6039T>G (p.Ser2013Arg)

Gene: NF1 (neurofibromin 1; plus strand). Cytogenetic location: 17q11.2.
Variant type: single nucleotide variant.
Coding change: c.6039T>G on transcript NM_001042492.3 (MANE Select); coding-DNA position 6039, T replaced by G.
Protein change: p.Ser2013Arg; replaces serine 2013 with arginine.
Molecular consequence: missense variant.
Genome position (GRCh38, 1-based): chr17:31,336,365, T>G. VCF-style: chr17-31336365-T-G. GRCh37 (hg19) VCF-style: chr17-29663383-T-G.
Other names: c.5976T>G, p.Ser1992Arg (NM_000267.4); short protein forms S2013R, S1992R.
Identifiers: ClinVar variation 4119179 (VCV004119179.1).

ClinVar aggregate classification (germline): Uncertain significance (1 of 4 stars; one submission).

Conditions:
Cardiovascular phenotype. Identifiers: MedGen CN230736.
Hereditary cancer-predisposing syndrome. Also called: Hereditary neoplastic syndrome; Neoplastic Syndromes, Hereditary; Tumor predisposition; Hereditary Cancer Syndrome. Identifiers: Orphanet 140162, MedGen C0027672, MeSH D009386, MONDO:0015356.

Submission:

Ambry Genetics
Classification: Uncertain significance for Cardiovascular phenotype; Hereditary cancer-predisposing syndrome. Last evaluated: 2025-09-02. Review status: criteria provided, single submitter. Criteria: Ambry Variant Classification Scheme 2023. Collection method: clinical testing. Allele origin: germline.
Comment: The p.S1992R variant (also known as c.5976T>G), located in coding exon 40 of the NF1 gene, results from a T to G substitution at nucleotide position 5976. The serine at codon 1992 is replaced by arginine, an amino acid with dissimilar properties. This amino acid position is highly conserved in available vertebrate species. In addition, this alteration is predicted to be deleterious by in silico analysis. Based on the available evidence, the clinical significance of this variant remains unclear.